The following is an entry in ClinVar:

ClinVar aggregate classification (germline): Uncertain significance. Review status: criteria provided, multiple submitters, no conflicts (2 of 4 stars). 2 submissions from 2 submitters: Uncertain significance (2). Last evaluated 2024-09-21.

Conditions:
Left ventricular noncompaction 1 (LVNC1). Also called: LEFT VENTRICULAR NONCOMPACTION 1 WITH OR WITHOUT CONGENITAL HEART DEFECTS. Identifiers: Orphanet 54260, MedGen C1858725, MONDO:0011403, OMIM 604169.

Allele frequency attached by ClinVar (database versions not stated): gnomAD exomes 0.00001 and 0.00002; gnomAD 0.00003 and 0.00004; TOPMed 0.00004.
gnomAD v4.1: 18 of 1,614,224 alleles (0.0011%); highest among the groups gnomAD compares: Middle Eastern, 0.016%; no homozygotes.

Submissions (2):

Labcorp Genetics (formerly Invitae), Labcorp
Classification: Uncertain significance for Left ventricular noncompaction 1. Last evaluated: 2024-09-21. Review status: criteria provided, single submitter. Criteria: Invitae Variant Classification Sherloc (09022015). Collection method: clinical testing. Allele origin: germline.
Comment: This sequence change replaces threonine, which is neutral and polar, with methionine, which is neutral and non-polar, at codon 587 of the DTNA protein (p.Thr587Met). This variant is present in population databases (rs757959636, gnomAD 0.01%). This variant has not been reported in the literature in individuals affected with DTNA-related conditions. ClinVar contains an entry for this variant (Variation ID: 928933). An algorithm developed to predict the effect of missense changes on protein structure and function outputs the following: PolyPhen-2: "Benign". The methionine amino acid residue is found in multiple mammalian species, which suggests that this missense change does not adversely affect protein function. In summary, the available evidence is currently insufficient to determine the role of this variant in disease. Therefore, it has been classified as a Variant of Uncertain Significance.

Women's Health and Genetics/Laboratory Corporation of America, LabCorp
Classification: Uncertain significance. Last evaluated: 2019-09-16. Review status: criteria provided, single submitter. Criteria: LabCorp Variant Classification Summary - May 2015. Collection method: clinical testing. Allele origin: germline.
Comment: Variant summary: DTNA c.1760C>T (p.Thr587Met) results in a non-conservative amino acid change in the encoded protein sequence. Four of five in-silico tools predict a benign effect of the variant on protein function. The variant allele was found at a frequency of 1.6e-05 in 251302 control chromosomes (gnomAD). The available data on variant occurrences in the general population are insufficient to allow any conclusion about variant significance. To our knowledge, no occurrence of c.1760C>T in individuals affected with Cardiomyopathy and no experimental evidence demonstrating its impact on protein function have been reported. Co-occurrence with another pathogenic variant has been reported (TTR c.424G>A (p.Val142Ile); LCA internal sample), providing supporting evidence for a benign role. No clinical diagnostic laboratories have submitted clinical-significance assessments for this variant to ClinVar after 2014. Based on the evidence outlined above, the variant was classified as uncertain significance.

NM_001386795.1(DTNA):c.1841C>T (p.Thr614Met)

Gene: DTNA (dystrobrevin alpha; plus strand). Cytogenetic location: 18q12.1.
Variant type: single nucleotide variant.
Coding change: c.1841C>T on transcript NM_001386795.1 (MANE Select); coding-DNA position 1841, C replaced by T.
Protein change: p.Thr614Met; replaces threonine 614 with methionine.
Molecular consequence: missense variant.
Genome position (GRCh38, 1-based): chr18:34,875,336, C>T. VCF-style: chr18-34875336-C-T. GRCh37 (hg19) VCF-style: chr18-32455300-C-T.
Other names: c.1580C>T, p.Thr527Met (NM_001198938.2, NM_001198940.2, NM_001386753.1 and 5 more transcripts); c.1601C>T, p.Thr534Met (NM_001198939.2); c.887C>T, p.Thr296Met (NM_001198942.1); c.830C>T, p.Thr277Met (NM_001198943.1); c.716C>T, p.Thr239Met (NM_001198944.1); c.1670C>T, p.Thr557Met (NM_001386754.1, NM_001386755.1, NM_001386756.1 and 3 more transcripts); c.1667C>T, p.Thr556Met (NM_001386760.1); c.1589C>T, p.Thr530Met (NM_001386761.1, NM_032975.4); and 5 more; short protein forms T235M, T239M, T277M, T296M, T527M, T530M, T534M, T587M.
Identifiers: ClinVar variation 928933 (VCV000928933.6), dbSNP rs757959636, ClinGen allele CA8935860.